The following is an entry in ClinVar:

NM_001232.4(CASQ2):c.607-15T>C

Gene: CASQ2 (calsequestrin 2; minus strand). Cytogenetic location: 1p13.1.
Variant type: single nucleotide variant.
Coding change: c.607-15T>C on transcript NM_001232.4 (MANE Select); 15 bases into the intron before coding-DNA position 607, T replaced by C.
Molecular consequence: intron variant.
Genome position (GRCh38, 1-based): chr1:115,727,137, A>G on the plus strand (T>C on the coding strand, the complement: CASQ2 is on the minus strand). VCF-style: chr1-115727137-A-G. GRCh37 (hg19) VCF-style: chr1-116269758-A-G.
Identifiers: ClinVar variation 504525 (VCV000504525.13), dbSNP rs138298959, ClinGen allele CA1023839.

ClinVar aggregate classification (germline): Likely benign. Review status: criteria provided, multiple submitters, no conflicts (2 of 4 stars). 3 submissions from 3 submitters: Likely benign (3). Last evaluated 2025-12-24.

Conditions:
Catecholaminergic polymorphic ventricular tachycardia 2. Also called: CASQ2-Related Catecholaminergic Polymorphic Ventricular Tachycardia; VENTRICULAR TACHYCARDIA, STRESS-INDUCED POLYMORPHIC 2. Identifiers: Orphanet 3286, MedGen C2677794, MONDO:0012762, OMIM 611938.
Catecholaminergic polymorphic ventricular tachycardia 1. Also called: VENTRICULAR TACHYCARDIA, CATECHOLAMINERGIC POLYMORPHIC, 1, WITH OR WITHOUT ATRIAL DYSFUNCTION AND/OR DILATED CARDIOMYOPATHY; RYR2-Related Catecholaminergic Polymorphic Ventricular Tachycardia; VENTRICULAR TACHYCARDIA, STRESS-INDUCED POLYMORPHIC 1. Identifiers: Orphanet 3286, MedGen C1631597, MONDO:0011484, OMIM 604772.

Allele frequency attached by ClinVar (database versions not stated): gnomAD exomes 0.00002 and 0.00004; ESP Exome Variant Server 0.00008; ExAC 0.00009; 1000 Genomes Project 30x 0.00016; TOPMed 0.00017; gnomAD 0.00019 and 0.00021; 1000 Genomes Project 0.00020.
gnomAD v4.1: 53 of 1,599,214 alleles (0.0033%); highest among the groups gnomAD compares: African/African-American, 0.067%; no homozygotes.

Submissions (3):

Labcorp Genetics (formerly Invitae), Labcorp
Classification: Likely benign for Catecholaminergic polymorphic ventricular tachycardia 1. Last evaluated: 2025-12-24. Review status: criteria provided, single submitter. Criteria: Invitae Variant Classification Sherloc (09022015). Collection method: clinical testing. Allele origin: germline.

Genome-Nilou Lab
Classification: Likely benign for Catecholaminergic polymorphic ventricular tachycardia 2. Last evaluated: 2023-04-11. Review status: criteria provided, single submitter. Criteria: ACMG Guidelines, 2015. Collection method: clinical testing. Allele origin: germline. Affected: no.

Laboratory for Molecular Medicine, Mass General Brigham Personalized Medicine
Classification: Likely benign. Last evaluated: 2016-09-02. Review status: criteria provided, single submitter. Criteria: LMM Criteria. Collection method: clinical testing. Allele origin: germline. Observed: 1 variant allele.
Comment: c.607-15T>C in intron 5 of CASQ2: This variant is not expected to have clinical significance because a T>C change at this position does not diverge from the sp lice consensus sequence and is therefore unlikely to impact splicing. It has bee n identified in 9/10038 African chromosomes by the Exome Aggregation Consortium (ExAC; dbSNP rs138298959).